The following is an entry in ClinVar:

ClinVar aggregate classification (germline): Uncertain significance. Review status: criteria provided, multiple submitters, no conflicts (2 of 4 stars). 3 submissions from 3 submitters: Uncertain significance (3). Last evaluated 2025-01-14.

Conditions:
Inborn genetic diseases. Identifiers: MedGen C0950123, MeSH D030342.

Allele frequency attached by ClinVar (database versions not stated): gnomAD exomes below 0.00001; ExAC 0.00001; gnomAD 0.00001; 1000 Genomes Project 30x 0.00016; 1000 Genomes Project 0.00020.

Submissions (3):

Ambry Genetics
Classification: Uncertain significance for Inborn genetic diseases. Last evaluated: 2025-01-14. Review status: criteria provided, single submitter. Criteria: Ambry Variant Classification Scheme 2023. Collection method: clinical testing. Allele origin: germline.
Comment: The p.Y271H variant (also known as c.811T>C), located in coding exon 1 of the SAMD9L gene, results from a T to C substitution at nucleotide position 811. The tyrosine at codon 271 is replaced by histidine, an amino acid with similar properties. This amino acid position is conserved. In addition, this alteration is predicted to be tolerated by in silico analysis. Based on the available evidence, the clinical significance of this variant remains unclear.

Labcorp Genetics (formerly Invitae), Labcorp
Classification: Uncertain significance. Last evaluated: 2024-11-22. Review status: criteria provided, single submitter. Criteria: Invitae Variant Classification Sherloc (09022015). Collection method: clinical testing. Allele origin: germline.
Comment: This sequence change replaces tyrosine, which is neutral and polar, with histidine, which is basic and polar, at codon 271 of the SAMD9L protein (p.Tyr271His). This variant is present in population databases (rs200268961, gnomAD 0.0009%). This variant has not been reported in the literature in individuals affected with SAMD9L-related conditions. ClinVar contains an entry for this variant (Variation ID: 3014317). An algorithm developed to predict the effect of missense changes on protein structure and function (PolyPhen-2) suggests that this variant is likely to be disruptive. In summary, the available evidence is currently insufficient to determine the role of this variant in disease. Therefore, it has been classified as a Variant of Uncertain Significance.

Blueprint Genetics
Classification: Uncertain significance. Last evaluated: 2020-06-17. Review status: criteria provided, single submitter. Criteria: ACMG Guidelines, 2015. Collection method: clinical testing. Allele origin: germline.

NM_152703.5(SAMD9L):c.811T>C (p.Tyr271His)

Gene: SAMD9L (sterile alpha motif domain containing 9 like; minus strand). Cytogenetic location: 7q21.2.
Variant type: single nucleotide variant.
Coding change: c.811T>C on transcript NM_152703.5 (MANE Select); coding-DNA position 811, T replaced by C.
Protein change: p.Tyr271His; replaces tyrosine 271 with histidine.
Molecular consequence: missense variant.
Genome position (GRCh38, 1-based): chr7:93,135,161, A>G on the plus strand (T>C on the coding strand, the complement: SAMD9L is on the minus strand). VCF-style: chr7-93135161-A-G. GRCh37 (hg19) VCF-style: chr7-92764474-A-G.
Other names: c.811T>C (NM_152703.2); c.811T>C, p.Tyr271His (NM_001303496.3, NM_001303497.3, NM_001303498.3 and 5 more transcripts); short protein forms Y271H.
Identifiers: ClinVar variation 3014317 (VCV003014317.5), dbSNP rs200268961, ClinGen allele CA4343812.